The following is an entry in ClinVar:

NM_001244008.2(KIF1A):c.4332G>T (p.Arg1444=)

Gene: KIF1A (kinesin family member 1A; minus strand). Cytogenetic location: 2q37.3.
Variant type: single nucleotide variant.
Coding change: c.4332G>T on transcript NM_001244008.2 (MANE Select); coding-DNA position 4332, G replaced by T.
Protein change: p.Arg1444=; no amino-acid change (arginine 1444 retained).
Molecular consequence: synonymous variant.
Genome position (GRCh38, 1-based): chr2:240,723,545, C>A on the plus strand (G>T on the coding strand, the complement: KIF1A is on the minus strand). VCF-style: chr2-240723545-C-A. GRCh37 (hg19) VCF-style: chr2-241662962-C-A.
Other names: c.4056G>T, p.Arg1352= (NM_001320705.2, NM_001379649.1); c.4083G>T, p.Arg1361= (NM_001330289.2); c.4131G>T, p.Arg1377= (NM_001330290.2, NM_001379648.1); c.4407G>T, p.Arg1469= (NM_001379631.1); c.4308G>T, p.Arg1436= (NM_001379632.1); c.4305G>T, p.Arg1435= (NM_001379633.1, NM_001379645.1); c.4158G>T, p.Arg1386= (NM_001379634.1); c.4155G>T, p.Arg1385= (NM_001379635.1, NM_001379646.1); and 8 more.
Identifiers: ClinVar variation 896396 (VCV000896396.13), dbSNP rs776552179, ClinGen allele CA68138600.

ClinVar aggregate classification (germline): Conflicting classifications of pathogenicity. Review status: criteria provided, conflicting classifications (1 of 4 stars). 4 submissions from 4 submitters: Uncertain significance (1); Likely benign (3). Last evaluated 2026-02-25.

Conditions:
Hereditary spastic paraplegia 30. Identifiers: Orphanet 101010, MedGen C5235139, MONDO:0012476.
KIF1A-related disorder. Also called: KIF1A-related disorders; KIF1A-related condition.
Neuropathy, hereditary sensory, type 2C. Also called: Hereditary sensory and autonomic neuropathy type IIC; KIF1A-Related HSAN2 (HSAN2C). Identifiers: Orphanet 970, MedGen C3280168, MONDO:0013634, OMIM 614213.
Intellectual disability, autosomal dominant 9 (NESCAVS). Also called: KIF1A-Related Neurodevelopmental Disorder; NESCAV SYNDROME. Identifiers: Orphanet 662367, MedGen C5393830, MONDO:0013656, OMIM 614255.

Allele frequency attached by ClinVar (database versions not stated): TOPMed below 0.00001.
gnomAD v4.1: 44 of 1,537,926 alleles (0.0029%); highest among the groups gnomAD compares: Non-Finnish European, 0.0037%; no homozygotes.

Submissions (4):

PreventionGenetics, part of Exact Sciences
Classification: Likely benign for KIF1A-related condition. Last evaluated: 2026-02-25. Review status: criteria provided, single submitter. Criteria: ACMG Guidelines, 2015. Collection method: clinical testing. Allele origin: germline.
Comment: This variant is classified as likely benign based on ACMG/AMP sequence variant interpretation guidelines (Richards et al. 2015 PMID: 25741868, with internal and published modifications).

Labcorp Genetics (formerly Invitae), Labcorp
Classification: Likely benign for Hereditary spastic paraplegia 30; Neuropathy, hereditary sensory, type 2C; Intellectual disability, autosomal dominant 9. Last evaluated: 2025-06-10. Review status: criteria provided, single submitter. Criteria: Invitae Variant Classification Sherloc (09022015). Collection method: clinical testing. Allele origin: germline.

Blueprint Genetics
Classification: Likely benign. Last evaluated: 2024-11-15. Review status: criteria provided, single submitter. Criteria: ACMG Guidelines, 2015. Collection method: clinical testing. Allele origin: germline.

Illumina Laboratory Services, Illumina
Classification: Uncertain significance for Spastic paraplegia 30A, autosomal dominant. Last evaluated: 2018-01-13. Review status: criteria provided, single submitter. Criteria: ICSL Variant Classification Criteria 13 December 2019. Collection method: clinical testing. Allele origin: germline.